The following is an entry in ClinVar:

NM_198834.3(ACACA):c.5665G>A (p.Gly1889Arg)

Gene: ACACA (acetyl-CoA carboxylase alpha; minus strand). Cytogenetic location: 17q12.
Variant type: single nucleotide variant.
Coding change: c.5665G>A on transcript NM_198834.3 (MANE Select); coding-DNA position 5665, G replaced by A.
Protein change: p.Gly1889Arg; replaces glycine 1889 with arginine.
Molecular consequence: missense variant.
Genome position (GRCh38, 1-based): chr17:37,149,878, C>T on the plus strand (G>A on the coding strand, the complement: ACACA is on the minus strand). VCF-style: chr17-37149878-C-T. GRCh37 (hg19) VCF-style: chr17-35506802-C-T.
Other names: c.5554G>A, p.Gly1852Arg (NM_198836.3, NM_198839.3); c.5380G>A, p.Gly1794Arg (NM_198837.2); c.5320G>A, p.Gly1774Arg (NM_198838.2); short protein forms G1889R, G1794R, G1852R, G1774R.
Identifiers: ClinVar variation 2055393 (VCV002055393.4), dbSNP rs1210593217, ClinGen allele CA399178469.

ClinVar aggregate classification (germline): Uncertain significance (1 of 4 stars; one submission).

Allele frequency attached by ClinVar (database versions not stated): gnomAD exomes below 0.00001.
gnomAD v4.1: 4 of 1,614,088 alleles (0.00025%); highest among the groups gnomAD compares: Non-Finnish European, 0.00034%; no homozygotes.

Submission:

Labcorp Genetics (formerly Invitae), Labcorp
Classification: Uncertain significance. Last evaluated: 2022-01-28. Review status: criteria provided, single submitter. Criteria: Invitae Variant Classification Sherloc (09022015). Collection method: clinical testing. Allele origin: germline.
Comment: In summary, the available evidence is currently insufficient to determine the role of this variant in disease. Therefore, it has been classified as a Variant of Uncertain Significance. Algorithms developed to predict the effect of missense changes on protein structure and function (SIFT, PolyPhen-2, Align-GVGD) all suggest that this variant is likely to be tolerated. This variant has not been reported in the literature in individuals affected with ACACA-related conditions. This variant is present in population databases (no rsID available, gnomAD 0.0009%). This sequence change replaces glycine, which is neutral and non-polar, with arginine, which is basic and polar, at codon 1852 of the ACACA protein (p.Gly1852Arg).